The following is an entry in ClinVar:

NM_000075.4(CDK4):c.684-19G>C

Genes: CDK4 (cyclin dependent kinase 4; minus strand), TSPAN31 (tetraspanin 31; plus strand). Cytogenetic location: 12q14.1.
Variant type: single nucleotide variant.
Coding change: c.684-19G>C on transcript NM_000075.4 (MANE Select); 19 bases into the intron before coding-DNA position 684, G replaced by C.
Molecular consequence: intron variant. On other transcripts: 3 prime UTR variant (3).
Genome position (GRCh38, 1-based): chr12:57,749,336, C>G on the plus strand (G>C on the coding strand, the complement: CDK4 is on the minus strand). VCF-style: chr12-57749336-C-G. GRCh37 (hg19) VCF-style: chr12-58143119-C-G.
Other names: c.*2046C>G (NM_001330168.2, NM_001330169.2, NM_005981.5).
Identifiers: ClinVar variation 3379215 (VCV003379215.1).

ClinVar aggregate classification (germline): Likely benign (1 of 4 stars; one submission).

Conditions:
Melanoma, cutaneous malignant, susceptibility to, 3. Also called: Cutaneous malignant melanoma 3. Identifiers: Orphanet 618, MedGen C1836892, MONDO:0012183, OMIM 609048.

Submission:

Myriad Genetics, Inc.
Classification: Likely benign for Melanoma, cutaneous malignant, susceptibility to, 3. Last evaluated: 2024-09-26. Review status: criteria provided, single submitter. Criteria: Myriad Autosomal Dominant, Autosomal Recessive and X-Linked Classification Criteria (2023). Collection method: clinical testing. Allele origin: unknown.
Comment: This variant is considered likely benign. This variant is intronic and is not expected to impact mRNA splicing.